The following is an entry in ClinVar:

NM_004977.3(KCNC3):c.182C>A (p.Pro61His)

Gene: KCNC3 (potassium voltage-gated channel subfamily C member 3; minus strand). Cytogenetic location: 19q13.33.
Variant type: single nucleotide variant.
Coding change: c.182C>A on transcript NM_004977.3 (MANE Select); coding-DNA position 182, C replaced by A.
Protein change: p.Pro61His; replaces proline 61 with histidine.
Molecular consequence: missense variant. On other transcripts: 5 prime UTR variant (1).
Genome position (GRCh38, 1-based): chr19:50,328,901, G>T on the plus strand (C>A on the coding strand, the complement: KCNC3 is on the minus strand). VCF-style: chr19-50328901-G-T. GRCh37 (hg19) VCF-style: chr19-50832158-G-T.
Other names: c.-47C>A (NM_001372305.1); short protein forms P61H.
Identifiers: ClinVar variation 4536300 (VCV004536300.1).

ClinVar aggregate classification (germline): Uncertain significance (1 of 4 stars; one submission).

Submission:

GeneDx
Classification: Uncertain significance. Last evaluated: 2025-06-02. Review status: criteria provided, single submitter. Criteria: GeneDx Variant Classification Process June 2021. Collection method: clinical testing. Allele origin: germline. Affected: yes.
Comment: Not observed at significant frequency in large population cohorts (gnomAD); In silico analysis suggests that this missense variant does not alter protein structure/function; Has not been previously published as pathogenic or benign to our knowledge